The following is an entry in ClinVar:

ClinVar aggregate classification (germline): Uncertain significance. Review status: criteria provided, multiple submitters, no conflicts (2 of 4 stars). 3 submissions from 3 submitters: Uncertain significance (2). 1 of the submissions does not count toward it. Last evaluated 2025-05-14.

Conditions:
UTP4-related disorder. Also called: UTP4-related condition.
Hereditary North American Indian childhood cirrhosis. Identifiers: Orphanet 168583, MedGen C1858051, MONDO:0011497, OMIM 604901.

Allele frequency attached by ClinVar (database versions not stated): gnomAD exomes 0.00007 and 0.00012; ESP Exome Variant Server 0.00008; TOPMed 0.00009; gnomAD 0.00010 and 0.00011; ExAC 0.00016.
gnomAD v4.1: 131 of 1,613,886 alleles (0.0081%); highest among the groups gnomAD compares: Middle Eastern, 0.1%; no homozygotes.

Submissions (3):

Labcorp Genetics (formerly Invitae), Labcorp
Classification: Uncertain significance. Last evaluated: 2025-05-14. Review status: criteria provided, single submitter. Criteria: Invitae Variant Classification Sherloc (09022015). Collection method: clinical testing. Allele origin: germline.
Comment: This sequence change falls in intron 12 of the UTP4 gene. It does not directly change the encoded amino acid sequence of the UTP4 protein. It affects a nucleotide within the consensus splice site. This variant is present in population databases (rs201088638, gnomAD 0.05%). This variant has not been reported in the literature in individuals affected with UTP4-related conditions. ClinVar contains an entry for this variant (Variation ID: 886103). Variants that disrupt the consensus splice site are a relatively common cause of aberrant splicing (PMID: 17576681, 9536098). Algorithms developed to predict the effect of sequence changes on RNA splicing suggest that this variant is not likely to affect RNA splicing. In summary, the available evidence is currently insufficient to determine the role of this variant in disease. Therefore, it has been classified as a Variant of Uncertain Significance.

Illumina Laboratory Services, Illumina
Classification: Uncertain significance for Hereditary North American Indian childhood cirrhosis. Last evaluated: 2018-01-13. Review status: criteria provided, single submitter. Criteria: ICSL Variant Classification Criteria 13 December 2019. Collection method: clinical testing. Allele origin: germline.

PreventionGenetics, part of Exact Sciences
Classification: Likely benign for UTP4-related condition. Last evaluated: 2021-09-01. Review status: no assertion criteria provided. Collection method: clinical testing. Allele origin: germline. Not counted in ClinVar's aggregate classification.
Comment: This variant is classified as likely benign based on ACMG/AMP sequence variant interpretation guidelines (Richards et al. 2015 PMID: 25741868, with internal and published modifications).

Literature cited by the submitters: PubMed 17576681 (cited by Labcorp Genetics (formerly Invitae), Labcorp); PubMed 9536098 (cited by Labcorp Genetics (formerly Invitae), Labcorp).

NM_032830.3(UTP4):c.1444+6A>C

Gene: UTP4 (UTP4 small subunit processome component). Cytogenetic location: 16q22.1.
Variant type: single nucleotide variant.
Coding change: c.1444+6A>C on transcript NM_032830.3 (MANE Select); 6 bases into the intron after coding-DNA position 1444, A replaced by C.
Molecular consequence: intron variant.
Genome position (GRCh38, 1-based): chr16:69,157,246, A>C. VCF-style: chr16-69157246-A-C. GRCh37 (hg19) VCF-style: chr16-69191149-A-C.
Other names: c.1195+6A>C (NM_001318391.2).
Identifiers: ClinVar variation 886103 (VCV000886103.7), dbSNP rs201088638, ClinGen allele CA8132427.